The following is an entry in ClinVar:

NM_015338.6(ASXL1):c.1912A>G (p.Thr638Ala)

Gene: ASXL1 (ASXL transcriptional regulator 1; plus strand). Cytogenetic location: 20q11.21.
Variant type: single nucleotide variant.
Coding change: c.1912A>G on transcript NM_015338.6 (MANE Select); coding-DNA position 1912, A replaced by G.
Protein change: p.Thr638Ala; replaces threonine 638 with alanine.
Molecular consequence: missense variant.
Genome position (GRCh38, 1-based): chr20:32,434,624, A>G. VCF-style: chr20-32434624-A-G. GRCh37 (hg19) VCF-style: chr20-31022427-A-G.
Other names: c.1729A>G, p.Thr577Ala (NM_001363734.1); short protein forms T577A, T638A.
Identifiers: ClinVar variation 3955900 (VCV003955900.1).
Genomic context (GRCh38, chr20:32,434,624, plus strand): 5'-AAAGCCCGTGCTCTGCAGGTCCGAGGGGCGAGAGGTCACCACTGCCATAGAGAGGCGGCC[A>G]CCACTGCCATCGGAGGGGGGGGTGGCCCGGGTGGAGGTGGCGGCGGGGCCACCGATGAGG-3'
Protein context (NP_056153.2, residues 628-648): RGHHCHREAA[Thr638Ala]TAIGGGGGPG

ClinVar aggregate classification (germline): Uncertain significance (1 of 4 stars; one submission).

Conditions:
Inborn genetic diseases. Identifiers: MedGen C0950123, MeSH D030342.

gnomAD v4.1: 2 of 1,609,494 alleles (0.00012%); highest among the groups gnomAD compares: African/African-American, 0.0013%; no homozygotes.

Submission:

Ambry Genetics
Classification: Uncertain significance for Inborn genetic diseases. Last evaluated: 2025-04-06. Review status: criteria provided, single submitter. Criteria: Ambry Variant Classification Scheme 2023. Collection method: clinical testing. Allele origin: germline.
Comment: The p.T638A variant (also known as c.1912A>G), located in coding exon 13 of the ASXL1 gene, results from an A to G substitution at nucleotide position 1912. The threonine at codon 638 is replaced by alanine, an amino acid with similar properties. This amino acid position is conserved. In addition, this alteration is predicted to be tolerated by in silico analysis. Based on the available evidence, the clinical significance of this variant remains unclear.